The following is an entry in ClinVar:

ClinVar aggregate classification (germline): Likely benign. Review status: criteria provided, multiple submitters, no conflicts (2 of 4 stars). 5 submissions from 5 submitters: Likely benign (5). Last evaluated 2026-09-23.

Conditions:
DYNC1H1-related disorder. Also called: DYNC1H1-related condition; DYNC1H1-related disorders. Identifiers: MedGen CN381529.
Charcot-Marie-Tooth disease axonal type 2O. Also called: CHARCOT-MARIE-TOOTH NEUROPATHY, AXONAL, TYPE 2O; CHARCOT-MARIE-TOOTH DISEASE, AXONAL, AUTOSOMAL DOMINANT, TYPE 2O; Charcot-Marie-Tooth disease, axonal, type 20; Charcot-Marie-Tooth Neuropathy Type 2O. Identifiers: Orphanet 284232, MedGen C3280220, MONDO:0013644, OMIM 614228.

Allele frequency attached by ClinVar (database versions not stated): gnomAD exomes 0.00002 and 0.00004; TOPMed 0.00002; gnomAD 0.00003 and 0.00004; ExAC 0.00004.
gnomAD v4.1: 34 of 1,613,570 alleles (0.0021%); highest among the groups gnomAD compares: East Asian, 0.013%; no homozygotes.

Submissions (5):

PreventionGenetics, part of Exact Sciences
Classification: Likely benign for DYNC1H1-related condition. Last evaluated: 2026-09-23. Review status: criteria provided, single submitter. Criteria: ACMG Guidelines, 2015. Collection method: clinical testing. Allele origin: germline.
Comment: This variant is classified as likely benign based on ACMG/AMP sequence variant interpretation guidelines (Richards et al. 2015 PMID: 25741868, with internal and published modifications).

Labcorp Genetics (formerly Invitae), Labcorp
Classification: Likely benign for Charcot-Marie-Tooth disease axonal type 2O. Last evaluated: 2025-11-17. Review status: criteria provided, single submitter. Criteria: Invitae Variant Classification Sherloc (09022015). Collection method: clinical testing. Allele origin: germline.

CeGaT Center for Human Genetics Tuebingen
Classification: Likely benign. Last evaluated: 2025-11-01. Review status: criteria provided, single submitter. Criteria: CeGaT Center For Human Genetics Tuebingen Variant Classification Criteria Version 2. Collection method: clinical testing. Allele origin: germline. Affected: yes. Observed: 1 variant allele.
Comment: DYNC1H1: BP4, BP7

Blueprint Genetics
Classification: Likely benign. Last evaluated: 2024-03-06. Review status: criteria provided, single submitter. Criteria: ACMG Guidelines, 2015. Collection method: clinical testing. Allele origin: germline.

GeneDx
Classification: Likely benign. Last evaluated: 2016-04-08. Review status: criteria provided, single submitter. Criteria: GeneDx Variant Classification (06012015). Collection method: clinical testing. Allele origin: germline. Affected: yes.
Comment: This variant is considered likely benign or benign based on one or more of the following criteria: it is a conservative change, it occurs at a poorly conserved position in the protein, it is predicted to be benign by multiple in silico algorithms, and/or has population frequency not consistent with disease.

NM_001376.5(DYNC1H1):c.7626C>T (p.Ser2542=)

Gene: DYNC1H1 (dynein cytoplasmic 1 heavy chain 1; plus strand). Cytogenetic location: 14q32.31.
Variant type: single nucleotide variant.
Coding change: c.7626C>T on transcript NM_001376.5 (MANE Select); coding-DNA position 7626, C replaced by T.
Protein change: p.Ser2542=; no amino-acid change (serine 2542 retained).
Molecular consequence: synonymous variant.
Genome position (GRCh38, 1-based): chr14:102,016,777, C>T. VCF-style: chr14-102016777-C-T. GRCh37 (hg19) VCF-style: chr14-102483114-C-T.
Identifiers: ClinVar variation 385472 (VCV000385472.19), dbSNP rs200589320, ClinGen allele CA7352870.